The following is an entry in ClinVar:

ClinVar aggregate classification (germline): Uncertain significance (1 of 4 stars; one submission).

Conditions:
TTN-related disorder. Also called: TTN-related disorders; TTN-related condition; TTN-related disease.

gnomAD v4.1: 24 of 1,613,328 alleles (0.0015%); highest among the groups gnomAD compares: Non-Finnish European, 0.0019%; no homozygotes.

Submission:

PreventionGenetics, part of Exact Sciences
Classification: Uncertain significance for TTN-related condition. Last evaluated: 2026-05-31. Review status: criteria provided, single submitter. Criteria: ACMG Guidelines, 2015. Collection method: clinical testing. Allele origin: germline.
Comment: The TTN c.57954C>G variant is predicted to result in the amino acid substitution p.Asn19318Lys. To our knowledge, this variant has not been reported in the literature. This variant is reported in 0.0018% of alleles in individuals of European (Non-Finnish) descent in gnomAD. At this time, the clinical significance of this variant is uncertain due to the absence of conclusive functional and genetic evidence.

NM_001267550.2(TTN):c.57954C>G (p.Asn19318Lys)

Genes: TTN (titin; minus strand), TTN-AS1 (TTN antisense RNA 1; plus strand). Cytogenetic location: 2q31.2.
Variant type: single nucleotide variant.
Coding change: c.57954C>G on transcript NM_001267550.2 (MANE Select); coding-DNA position 57954, C replaced by G.
Protein change: p.Asn19318Lys; replaces asparagine 19318 with lysine.
Molecular consequence: missense variant.
Genome position (GRCh38, 1-based): chr2:178,594,540, G>C on the plus strand (C>G on the coding strand, the complement: TTN is on the minus strand). VCF-style: chr2-178594540-G-C. GRCh37 (hg19) VCF-style: chr2-179459267-G-C.
Other names: c.53031C>G, p.Asn17677Lys (NM_001256850.1); c.30759C>G, p.Asn10253Lys (NM_003319.4); c.50250C>G, p.Asn16750Lys (NM_133378.4); c.31134C>G, p.Asn10378Lys (NM_133432.3); c.31335C>G, p.Asn10445Lys (NM_133437.4); short protein forms N16750K, N17677K, N10378K, N19318K, N10253K, N10445K.
Identifiers: ClinVar variation 4988165 (VCV004988165.1).